The following is an entry in ClinVar:

NM_021871.4(FGA):c.*50T>G

Gene: FGA (fibrinogen alpha chain; minus strand). Cytogenetic location: 4q31.3.
Variant type: single nucleotide variant.
Coding change: c.*50T>G on transcript NM_021871.4 (MANE Select); 50 bases downstream of the stop codon, T replaced by G.
Molecular consequence: 3 prime UTR variant. On other transcripts: intron variant (1).
Genome position (GRCh38, 1-based): chr4:154,585,444, A>C on the plus strand (T>G on the coding strand, the complement: FGA is on the minus strand). VCF-style: chr4-154585444-A-C. GRCh37 (hg19) VCF-style: chr4-155506596-A-C.
Other names: c.1891+94T>G (NM_000508.5); c.*50T>G (LRG_557t2).
Identifiers: ClinVar variation 347806 (VCV000347806.5), dbSNP rs369606098, ClinGen allele CA3114996.

ClinVar aggregate classification (germline): Conflicting classifications of pathogenicity. Review status: criteria provided, conflicting classifications (1 of 4 stars). 2 submissions from 1 submitter: Uncertain significance (1); Benign (1). Last evaluated 2018-01-13.

Conditions:
Congenital afibrinogenemia. Identifiers: Orphanet 335, Orphanet 98880, MedGen C2584774, MONDO:0008737, OMIM 202400.
Familial visceral amyloidosis, Ostertag type (AMYLD2). Also called: AMYLOIDOSIS VIII; Ostertag type amyloidosis; Familial visceral amyloidosis; Amyloidosis, hepatic and systemic; AMYLOIDOSIS, HEREDITARY SYSTEMIC 2; Hereditary Renal Amyloidosis. Identifiers: Orphanet 85450, MedGen C0268389, MONDO:0007099, OMIM 105200.

Allele frequency attached by ClinVar (database versions not stated): gnomAD exomes 0.00010 and 0.00017; TOPMed 0.00011; gnomAD 0.00012 and 0.00013; ExAC 0.00014; ESP Exome Variant Server 0.00014.
gnomAD v4.1: 151 of 1,319,342 alleles (0.011%); highest among the groups gnomAD compares: Non-Finnish European, 0.0016%; no homozygotes.

Submissions (2):

Illumina Laboratory Services, Illumina
Classification: Benign for Familial visceral amyloidosis, Ostertag type. Last evaluated: 2018-01-13. Review status: criteria provided, single submitter. Criteria: ICSL Variant Classification Criteria 13 December 2019. Collection method: clinical testing. Allele origin: germline.
Comment: This variant was observed in the ICSL laboratory as part of a predisposition screen in an ostensibly healthy population. It had not been previously curated by ICSL or reported in the Human Gene Mutation Database (HGMD: prior to June 1st, 2018), and was therefore a candidate for classification through an automated scoring system. Utilizing variant allele frequency, disease prevalence and penetrance estimates, and inheritance mode, an automated score was calculated to assess if this variant is too frequent to cause the disease. Based on the score and internal cut-off values, a variant classified as benign is not then subjected to further curation. The score for this variant resulted in a classification of benign for this disease.

Illumina Laboratory Services, Illumina
Classification: Uncertain significance for Congenital afibrinogenemia. Last evaluated: 2018-01-13. Review status: criteria provided, single submitter. Criteria: ICSL Variant Classification Criteria 13 December 2019. Collection method: clinical testing. Allele origin: germline.